The following is an entry in ClinVar:

ClinVar aggregate classification (germline): Likely benign. Review status: criteria provided, multiple submitters, no conflicts (2 of 4 stars). 2 submissions from 2 submitters: Likely benign (2). Last evaluated 2026-01-31.

Conditions:
Dilated cardiomyopathy 1G (CMD1G). Identifiers: Orphanet 154, MedGen C1858763, MONDO:0011400, OMIM 604145.
Autosomal recessive limb-girdle muscular dystrophy type 2J (LGMDR10). Also called: Limb-girdle muscular dystrophy, type 2J; MUSCULAR DYSTROPHY, LIMB-GIRDLE, AUTOSOMAL RECESSIVE 10. Identifiers: Orphanet 140922, MedGen C1837342, MONDO:0012127, OMIM 608807.

Allele frequency attached by ClinVar (database versions not stated): gnomAD 0.00001; gnomAD exomes 0.00001; TOPMed 0.00002; ExAC 0.00003.
gnomAD v4.1: 30 of 1,603,762 alleles (0.0019%); highest among the groups gnomAD compares: African/African-American, 0.0027%; no homozygotes.

Submissions (2):

Labcorp Genetics (formerly Invitae), Labcorp
Classification: Likely benign for Dilated cardiomyopathy 1G; Autosomal recessive limb-girdle muscular dystrophy type 2J. Last evaluated: 2026-01-31. Review status: criteria provided, single submitter. Criteria: Invitae Variant Classification Sherloc (09022015). Collection method: clinical testing. Allele origin: germline.

GeneDx
Classification: Likely benign. Last evaluated: 2017-06-19. Review status: criteria provided, single submitter. Criteria: GeneDx Variant Classification (06012015). Collection method: clinical testing. Allele origin: germline. Affected: yes.
Comment: This variant is considered likely benign or benign based on one or more of the following criteria: it is a conservative change, it occurs at a poorly conserved position in the protein, it is predicted to be benign by multiple in silico algorithms, and/or has population frequency not consistent with disease.

NM_001267550.2(TTN):c.34453+13C>T

Gene: TTN (titin; minus strand). Cytogenetic location: 2q31.2.
Variant type: single nucleotide variant.
Coding change: c.34453+13C>T on transcript NM_001267550.2 (MANE Select); 13 bases into the intron after coding-DNA position 34453, C replaced by T.
Molecular consequence: intron variant.
Genome position (GRCh38, 1-based): chr2:178,675,908, G>A on the plus strand (C>T on the coding strand, the complement: TTN is on the minus strand). VCF-style: chr2-178675908-G-A. GRCh37 (hg19) VCF-style: chr2-179540635-G-A.
Other names: c.33415+13C>T (NM_001256850.1); c.13283-33591C>T (NM_003319.4); c.13859-33591C>T (NM_133437.4); c.13658-33591C>T (NM_133432.3); c.30634+13C>T (NM_133378.4).
Identifiers: ClinVar variation 518181 (VCV000518181.9), dbSNP rs771926210, ClinGen allele CA1998062.